The following is an entry in ClinVar:

ClinVar aggregate classification (germline): Benign (1 of 4 stars; one submission).

Conditions:
Leigh syndrome (NULS). Also called: Leigh's necrotizing encephalopathy; Leigh's disease; Leigh Syndrome (mtDNA deletion); Leigh Disease; Subacute necrotizing encephalopathy; Necrotizing encephalopathy infantile subacute of Leigh. Identifiers: Orphanet 506, MedGen C2931891, MONDO:0009723, OMIM 256000.

Submission:

Wong Mito Lab, Molecular and Human Genetics, Baylor College of Medicine
Classification: Benign for Leigh syndrome. Last evaluated: 2019-10-17. Review status: criteria provided, single submitter. Criteria: Modified ACMG Guidelines (Unpublished). Collection method: clinical testing. Allele origin: germline.
Comment: The NC_012920.1:m.9088T>C (YP_003024031.1:p.Ser188Pro) variant in MTATP6 gene is interpretated to be a Benign variant based on the modified ACMG guidelines (unpublished). This variant meets the following evidence codes: BS1, BS2, BP4

NC_012920.1(MT-ATP6):m.9088T>C

Gene: MT-ATP6 (mitochondrially encoded ATP synthase 6; plus strand).
Variant type: single nucleotide variant.
Genome position: chrM-9088-T-C.
Identifiers: ClinVar variation 693084 (VCV000693084.1), dbSNP rs370460521, ClinGen allele CA337098202.